The following is an entry in ClinVar:

ClinVar aggregate classification (germline): Uncertain significance. Review status: criteria provided, multiple submitters, no conflicts (2 of 4 stars). 2 submissions from 2 submitters: Uncertain significance (2). Last evaluated 2025-08-17.

Conditions:
PEX6-related disorder. Also called: PEX6-related disorders; PEX6-related condition.
Peroxisome biogenesis disorder. Identifiers: Orphanet 79189, MedGen C1832200, MONDO:0019234. Disease mechanism: loss of function.

Allele frequency attached by ClinVar (database versions not stated): TOPMed below 0.00001.
gnomAD v4.1: 2 of 1,500,298 alleles (0.00013%); highest among the groups gnomAD compares: East Asian, 0.0027%; no homozygotes.

Submissions (2):

PreventionGenetics, part of Exact Sciences
Classification: Uncertain significance for PEX6-related condition. Last evaluated: 2025-08-17. Review status: criteria provided, single submitter. Criteria: ACMG Guidelines, 2015. Collection method: clinical testing. Allele origin: germline.
Comment: The PEX6 c.179C>T variant is predicted to result in the amino acid substitution p.Pro60Leu. To our knowledge, this variant has not been reported in the literature. This variant is reported in 0.0055% of alleles in individuals of South Asian descent in gnomAD. At this time, the clinical significance of this variant is uncertain due to the absence of conclusive functional and genetic evidence.

Labcorp Genetics (formerly Invitae), Labcorp
Classification: Uncertain significance for Peroxisome biogenesis disorder. Last evaluated: 2022-02-03. Review status: criteria provided, single submitter. Criteria: Invitae Variant Classification Sherloc (09022015). Collection method: clinical testing. Allele origin: germline.
Comment: This sequence change replaces proline, which is neutral and non-polar, with leucine, which is neutral and non-polar, at codon 60 of the PEX6 protein (p.Pro60Leu). The frequency data for this variant in the population databases is considered unreliable, as metrics indicate poor data quality at this position in the gnomAD database. This variant has not been reported in the literature in individuals affected with PEX6-related conditions. Algorithms developed to predict the effect of missense changes on protein structure and function (SIFT, PolyPhen-2, Align-GVGD) all suggest that this variant is likely to be tolerated. In summary, the available evidence is currently insufficient to determine the role of this variant in disease. Therefore, it has been classified as a Variant of Uncertain Significance.

NM_000287.4(PEX6):c.179C>T (p.Pro60Leu)

Gene: PEX6 (peroxisomal biogenesis factor 6; minus strand). Cytogenetic location: 6p21.1.
Variant type: single nucleotide variant.
Coding change: c.179C>T on transcript NM_000287.4 (MANE Select); coding-DNA position 179, C replaced by T.
Protein change: p.Pro60Leu; replaces proline 60 with leucine.
Molecular consequence: missense variant. On other transcripts: non-coding transcript variant (1).
Genome position (GRCh38, 1-based): chr6:42,978,972, G>A on the plus strand (C>T on the coding strand, the complement: PEX6 is on the minus strand). VCF-style: chr6-42978972-G-A. GRCh37 (hg19) VCF-style: chr6-42946710-G-A.
Other names: c.179C>T, p.Pro60Leu (NM_001316313.2); c.179C>T (NM_000287.3); short protein forms P60L.
Identifiers: ClinVar variation 2175854 (VCV002175854.2), dbSNP rs1456741132, ClinGen allele CA364168446.